The following is an entry in ClinVar:

ClinVar aggregate classification (germline): Pathogenic/Likely pathogenic. Review status: criteria provided, multiple submitters, no conflicts (2 of 4 stars). 2 submissions from 2 submitters: Pathogenic (1); Likely pathogenic (1). Last evaluated 2024-03-15.

Conditions:
Mitochondrial trifunctional protein deficiency. Identifiers: Orphanet 746, MedGen C1969443, MONDO:0012172.
Long chain 3-hydroxyacyl-CoA dehydrogenase deficiency. Also called: Deficiency of long-chain 3-hydroxyacyl-coenzyme A dehydrogenase; LCHAD Deficiency. Identifiers: Orphanet 5, MedGen C3711645, MONDO:0012173, OMIM 609016.

Submissions (2):

Baylor Genetics
Classification: Likely pathogenic for Long chain 3-hydroxyacyl-CoA dehydrogenase deficiency. Last evaluated: 2024-03-15. Review status: criteria provided, single submitter. Criteria: ACMG Guidelines, 2015. Collection method: clinical testing. Allele origin: unknown.

Labcorp Genetics (formerly Invitae), Labcorp
Classification: Pathogenic for Mitochondrial trifunctional protein deficiency; Long chain 3-hydroxyacyl-CoA dehydrogenase deficiency. Last evaluated: 2023-05-24. Review status: criteria provided, single submitter. Criteria: Invitae Variant Classification Sherloc (09022015). Collection method: clinical testing. Allele origin: germline.
Comment: This sequence change creates a premature translational stop signal (p.Tyr639*) in the HADHA gene. It is expected to result in an absent or disrupted protein product. Loss-of-function variants in HADHA are known to be pathogenic (PMID: 7738175, 21103935, 21549624, 22459206). This variant is not present in population databases (gnomAD no frequency). This variant has not been reported in the literature in individuals affected with HADHA-related conditions. For these reasons, this variant has been classified as Pathogenic.

Literature cited by the submitters: PubMed 7738175 (cited by Labcorp Genetics (formerly Invitae), Labcorp); PubMed 21103935 (cited by Labcorp Genetics (formerly Invitae), Labcorp); PubMed 21549624 (cited by Labcorp Genetics (formerly Invitae), Labcorp); PubMed 22459206 (cited by Labcorp Genetics (formerly Invitae), Labcorp).

NM_000182.5(HADHA):c.1917T>A (p.Tyr639Ter)

Genes: HADHA (hydroxyacyl-CoA dehydrogenase trifunctional multienzyme complex subunit alpha; minus strand), GAREM2 (GRB2 associated regulator of MAPK1 subtype 2; plus strand). Cytogenetic location: 2p23.3.
Variant type: single nucleotide variant.
Coding change: c.1917T>A on transcript NM_000182.5 (MANE Select); coding-DNA position 1917, T replaced by A.
Protein change: p.Tyr639Ter; replaces tyrosine 639 with a stop codon.
Molecular consequence: nonsense.
Genome position (GRCh38, 1-based): chr2:26,192,393, A>T on the plus strand (T>A on the coding strand, the complement: HADHA is on the minus strand). VCF-style: chr2-26192393-A-T. GRCh37 (hg19) VCF-style: chr2-26415262-A-T.
Other names: short protein forms Y639*.
Identifiers: ClinVar variation 2927833 (VCV002927833.2), dbSNP rs2465508638, ClinGen allele CA346115203.